The following is an entry in ClinVar:

NM_024675.4(PALB2):c.3375T>C (p.Asp1125=)

Gene: PALB2 (partner and localizer of BRCA2; minus strand). Cytogenetic location: 16p12.2.
Variant type: single nucleotide variant.
Coding change: c.3375T>C on transcript NM_024675.4 (MANE Select); coding-DNA position 3375, T replaced by C.
Protein change: p.Asp1125=; no amino-acid change (aspartic acid 1125 retained).
Molecular consequence: synonymous variant.
Genome position (GRCh38, 1-based): chr16:23,603,645, A>G on the plus strand (T>C on the coding strand, the complement: PALB2 is on the minus strand). VCF-style: chr16-23603645-A-G. GRCh37 (hg19) VCF-style: chr16-23614966-A-G.
Identifiers: ClinVar variation 485996 (VCV000485996.6), dbSNP rs1555457887, ClinGen allele CA494173795.

ClinVar aggregate classification (germline): Benign/Likely benign. Review status: criteria provided, multiple submitters, no conflicts (2 of 4 stars). 2 submissions from 2 submitters: Benign (1); Likely benign (1). Last evaluated 2025-01-22.

Conditions:
Hereditary cancer-predisposing syndrome. Also called: Tumor predisposition; Hereditary Cancer Syndrome; Hereditary neoplastic syndrome; Neoplastic Syndromes, Hereditary. Identifiers: Orphanet 140162, MedGen C0027672, MeSH D009386, MONDO:0015356.
Familial cancer of breast. Also called: hereditary breast carcinoma; BREAST CANCER, FAMILIAL; Hereditary breast cancer. Identifiers: Orphanet 227535, MedGen C0346153, MONDO:0016419, OMIM 114480. Disease mechanism: loss of function.

Submissions (2):

Myriad Genetics, Inc.
Classification: Benign for Familial cancer of breast. Last evaluated: 2025-01-22. Review status: criteria provided, single submitter. Criteria: Myriad Autosomal Dominant, Autosomal Recessive and X-Linked Classification Criteria (2023). Collection method: clinical testing. Allele origin: unknown.
Comment: This variant is considered benign. This variant is a silent/synonymous amino acid change and it is not expected to impact splicing.

Ambry Genetics
Classification: Likely benign for Hereditary cancer-predisposing syndrome. Last evaluated: 2017-04-20. Review status: criteria provided, single submitter. Criteria: Ambry Variant Classification Scheme 2023. Collection method: clinical testing. Allele origin: germline.